The following is an entry in ClinVar:

ClinVar aggregate classification (germline): Uncertain significance. Review status: criteria provided, multiple submitters, no conflicts (2 of 4 stars). 2 submissions from 2 submitters: Uncertain significance (2). Last evaluated 2023-01-03.

Conditions:
Cardiovascular phenotype. Identifiers: MedGen CN230736.
Hypertrophic cardiomyopathy. Also called: HYPERTROPHIC MYOCARDIOPATHY. Identifiers: Orphanet 217569, MedGen C0007194, MeSH D002312, MONDO:0005045, HP:0001639.

Allele frequency attached by ClinVar (database versions not stated): gnomAD exomes below 0.00001.

Submissions (2):

Ambry Genetics
Classification: Uncertain significance for Cardiovascular phenotype. Last evaluated: 2023-01-03. Review status: criteria provided, single submitter. Criteria: Ambry Variant Classification Scheme 2023. Collection method: clinical testing. Allele origin: germline.
Comment: The p.Q1281R variant (also known as c.3842A>G), located in coding exon 26 of the MYH7 gene, results from an A to G substitution at nucleotide position 3842. The glutamine at codon 1281 is replaced by arginine, an amino acid with highly similar properties. This amino acid position is well conserved in available vertebrate species. In addition, this alteration is predicted to be deleterious by in silico analysis. Since supporting evidence is limited at this time, the clinical significance of this alteration remains unclear.

Labcorp Genetics (formerly Invitae), Labcorp
Classification: Uncertain significance for Hypertrophic cardiomyopathy. Last evaluated: 2021-01-24. Review status: criteria provided, single submitter. Criteria: Invitae Variant Classification Sherloc (09022015). Collection method: clinical testing. Allele origin: germline.
Comment: Algorithms developed to predict the effect of missense changes on protein structure and function are either unavailable or do not agree on the potential impact of this missense change (SIFT: "Deleterious"; PolyPhen-2: "Possibly Damaging"; Align-GVGD: "Class C0"). This variant has not been reported in the literature in individuals with MYH7-related conditions. This variant is not present in population databases (ExAC no frequency). This sequence change replaces glutamine with arginine at codon 1281 of the MYH7 protein (p.Gln1281Arg). The glutamine residue is highly conserved and there is a small physicochemical difference between glutamine and arginine. In summary, the available evidence is currently insufficient to determine the role of this variant in disease. Therefore, it has been classified as a Variant of Uncertain Significance.

NM_000257.4(MYH7):c.3842A>G (p.Gln1281Arg)

Gene: MYH7 (myosin heavy chain 7; minus strand). Cytogenetic location: 14q11.2.
Variant type: single nucleotide variant.
Coding change: c.3842A>G on transcript NM_000257.4 (MANE Select); coding-DNA position 3842, A replaced by G.
Protein change: p.Gln1281Arg; replaces glutamine 1281 with arginine.
Molecular consequence: missense variant.
Genome position (GRCh38, 1-based): chr14:23,419,494, T>C on the plus strand (A>G on the coding strand, the complement: MYH7 is on the minus strand). VCF-style: chr14-23419494-T-C. GRCh37 (hg19) VCF-style: chr14-23888703-T-C.
Other names: short protein forms Q1281R.
Identifiers: ClinVar variation 1417991 (VCV001417991.9), dbSNP rs2138652185, ClinGen allele CA389041899.
Genomic context (GRCh38, chr14:23,419,494, plus strand): 5'-GGTTGGGGAGACTGTGGTGGGAACCATGGAGCCCCTGCTCTAGGCTCACCATTCTCGGTT[T>C]GCAACTTGGCCCGCTGGCTGGTGAGGTCGTTGACAGAACGCTGGGTCTCCTCCGCCTTGC-3'
Protein context (NP_000248.2, residues 1271-1291): NDLTSQRAKL[Gln1281Arg]TENGELSRQL